The following is an entry in ClinVar:

ClinVar aggregate classification (germline): Conflicting classifications of pathogenicity. Review status: criteria provided, conflicting classifications (1 of 4 stars). 2 submissions from 2 submitters: Uncertain significance (1); Likely benign (1). Last evaluated 2026-01-05.

Conditions:
Autoimmune lymphoproliferative syndrome type 1. Also called: AUTOIMMUNE LYMPHOPROLIFERATIVE SYNDROME, TYPE I, AUTOSOMAL DOMINANT. Identifiers: Orphanet 3261, MedGen C2717884, MONDO:0011158, OMIM 601859.
Autoimmune lymphoproliferative syndrome type 2A (ALPS2A). Also called: CASP10-Related Autoimmune Lymphoproliferative Syndrome; AUTOIMMUNE LYMPHOPROLIFERATIVE SYNDROME, TYPE IIA; Autoimmune lymphoproliferative syndrome type 2. Identifiers: Orphanet 3261, MedGen C1858968, MONDO:0011383, OMIM 603909.

Allele frequency attached by ClinVar (database versions not stated): ExAC 0.00001; gnomAD exomes below 0.00001 and 0.00001; TOPMed 0.00004.
gnomAD v4.1: 6 of 1,614,020 alleles (0.00037%); highest among the groups gnomAD compares: Non-Finnish European, 0.00051%; no homozygotes.

Submissions (2):

Labcorp Genetics (formerly Invitae), Labcorp
Classification: Uncertain significance for Autoimmune lymphoproliferative syndrome type 2A. Last evaluated: 2026-01-05. Review status: criteria provided, single submitter. Criteria: Invitae Variant Classification Sherloc (09022015). Collection method: clinical testing. Allele origin: germline.
Comment: This sequence change replaces alanine, which is neutral and non-polar, with threonine, which is neutral and polar, at codon 441 of the CASP10 protein (p.Ala441Thr). This variant is present in population databases (rs760580885, gnomAD 0.0009%). This variant has not been reported in the literature in individuals affected with CASP10-related conditions. ClinVar contains an entry for this variant (Variation ID: 643723). Invitae Evidence Modeling of protein sequence and biophysical properties (such as structural, functional, and spatial information, amino acid conservation, physicochemical variation, residue mobility, and thermodynamic stability) indicates that this missense variant is expected to disrupt CASP10 protein function with a positive predictive value of 80%. In summary, the available evidence is currently insufficient to determine the role of this variant in disease. Therefore, it has been classified as a Variant of Uncertain Significance.

Mendelics
Classification: Likely benign for Autoimmune lymphoproliferative syndrome type 1. Last evaluated: 2019-05-28. Review status: criteria provided, single submitter. Criteria: Mendelics Assertion Criteria 2017. Collection method: clinical testing. Allele origin: unknown.

NM_032977.4(CASP10):c.1321G>A (p.Ala441Thr)

Gene: CASP10 (caspase 10; plus strand). Cytogenetic location: 2q33.1.
Variant type: single nucleotide variant.
Coding change: c.1321G>A on transcript NM_032977.4 (MANE Select); coding-DNA position 1321, G replaced by A.
Protein change: p.Ala441Thr; replaces alanine 441 with threonine.
Molecular consequence: missense variant. On other transcripts: 3 prime UTR variant (1).
Genome position (GRCh38, 1-based): chr2:201,209,468, G>A. VCF-style: chr2-201209468-G-A. GRCh37 (hg19) VCF-style: chr2-202074191-G-A.
Other names: c.1120G>A, p.Ala374Thr (NM_001206524.2); c.1192G>A, p.Ala398Thr (NM_001206542.2, NM_001230.5); c.1321G>A, p.Ala441Thr (NM_032974.5); c.*407G>A (NM_032976.4); short protein forms A398T, A441T, A374T.
Identifiers: ClinVar variation 643723 (VCV000643723.10), dbSNP rs760580885, ClinGen allele CA2053221.